The following is an entry in ClinVar:

ClinVar aggregate classification (germline): Likely pathogenic (1 of 4 stars; one submission).

Conditions:
MASA syndrome. Also called: MENTAL RETARDATION, APHASIA, SHUFFLING GAIT, AND ADDUCTED THUMBS; MASA (Mental Retardation, Adducted Thumbs, Shuffling Gait, Aphasia) Syndrome, Including SPG1 (X-Linked Complicated Hereditary Spastic Paraplegia Type 1); SPASTIC PARAPLEGIA 1, X-LINKED; CRASH syndrome; ADDUCTED THUMB WITH MENTAL RETARDATION; CLASPED THUMB AND MENTAL RETARDATION. Identifiers: Orphanet 2466, MedGen C0795953, MONDO:0010559, OMIM 303350.

Submission:

3billion
Classification: Likely pathogenic for MASA syndrome. Last evaluated: 2025-02-24. Review status: criteria provided, single submitter. Criteria: ACMG Guidelines, 2015. Collection method: clinical testing. Allele origin: germline. Affected: yes.
Comment: The variant is not observed in the gnomAD v4.1.0 dataset. Predicted Consequence/Location: Frameshift: predicted to result in a loss or disruption of normal protein function through nonsense-mediated decay (NMD) or protein truncation. Multiple pathogenic variants are reported downstream of the variant. Therefore, this variant is classified as Likely pathogenic according to the recommendation of ACMG/AMP guideline.

NM_001278116.2(L1CAM):c.2455del (p.Glu819fs)

Gene: L1CAM (L1 cell adhesion molecule; minus strand). Cytogenetic location: Xq28.
Variant type: Deletion.
Coding change: c.2455del on transcript NM_001278116.2 (MANE Select); coding-DNA position 2455, one base deleted (G; older notation c.2455delG).
Protein change: p.Glu819fs; shifts the reading frame from glutamic acid 819.
Molecular consequence: frameshift variant.
Genome position (GRCh38, 1-based): chrX:153,865,796, C deleted on the plus strand (G on the coding strand, the reverse complement: L1CAM is on the minus strand); the first of 2 consecutive C bases (chrX:153,865,796-153,865,797); deleting either gives the same sequence. VCF-style (leftmost placement, unchanged base first): chrX-153865795-TC-T. GRCh37 (hg19) VCF-style: chrX-153131250-TC-T.
Other names: c.2455del, p.Glu819fs (NM_000425.5, NM_024003.3); c.2440del, p.Glu814fs (NM_001143963.2); short protein forms E814fs, E819fs.
Identifiers: ClinVar variation 4293322 (VCV004293322.1).